The following is an entry in ClinVar:

ClinVar aggregate classification (germline): Uncertain significance (0 of 4 stars; one submission).

Conditions:
Prostate cancer. Also called: Malignant tumor of prostate. Identifiers: Orphanet 1331, MedGen C0376358, MONDO:0008315, HP:0012125.

Submission:

Science for Life laboratory,  Karolinska Institutet
Classification: Uncertain significance for Malignant tumor of prostate. Review status: no assertion criteria provided. Collection method: not provided. Allele origin: somatic.
Comment: TumorID:SWE-15
ClinVar note: Converted during submission from Unknown to Uncertain significance.

NM_014236.4(GNPAT):c.1935G>C (p.Lys645Asn)

Gene: GNPAT (glyceronephosphate O-acyltransferase; plus strand). Cytogenetic location: 1q42.2.
Variant type: single nucleotide variant.
Coding change: c.1935G>C on transcript NM_014236.4 (MANE Select); coding-DNA position 1935, G replaced by C.
Protein change: p.Lys645Asn; replaces lysine 645 with asparagine.
Molecular consequence: missense variant.
Genome position (GRCh38, 1-based): chr1:231,275,496, G>C. VCF-style: chr1-231275496-G-C. GRCh37 (hg19) VCF-style: chr1-231411242-G-C.
Other names: c.1752G>C, p.Lys584Asn (NM_001316350.2); short protein forms K645N, K584N.
Identifiers: ClinVar variation 161670 (VCV000161670.2), dbSNP rs193920851, ClinGen allele CA174569.